The following is an entry in ClinVar:

NM_015040.4(PIKFYVE):c.4142+1del

Gene: PIKFYVE (phosphoinositide kinase, FYVE-type zinc finger containing; plus strand). Cytogenetic location: 2q34.
Variant type: Deletion.
Coding change: c.4142+1del on transcript NM_015040.4 (MANE Select); the canonical splice donor site of the intron after coding-DNA position 4142, one base deleted (G; older notation c.4142+1delG).
Molecular consequence: splice donor variant.
Genome position (GRCh38, 1-based): chr2:208,333,494, G deleted; the last of 2 consecutive G bases (chr2:208,333,493-208,333,494); deleting either gives the same sequence. VCF-style (leftmost placement, unchanged base first): chr2-208333492-AG-A. GRCh37 (hg19) VCF-style: chr2-209198216-AG-A.
Identifiers: ClinVar variation 3367109 (VCV003367109.1).

ClinVar aggregate classification (germline): Likely pathogenic (1 of 4 stars; one submission).

Conditions:
Fleck corneal dystrophy (CFD). Also called: CORNEAL DYSTROPHY, FRANCOIS-NEETENS SPECKLED OR FLECKED. Identifiers: Orphanet 98970, MedGen C1562113, MONDO:0007376, OMIM 121850.

Submission:

Neuberg Centre For Genomic Medicine, NCGM
Classification: Likely pathogenic for Fleck corneal dystrophy. Last evaluated: 2023-05-20. Review status: criteria provided, single submitter. Criteria: ACMG Guidelines, 2015. Collection method: clinical testing. Allele origin: germline. Inheritance: Autosomal dominant inheritance. Affected: yes.
Comment: The observed frameshift c.4142+1del variant that lies in the splice region in PIKFYVE gene has not been previously reported as pathogenic variant nor as a benign variant, to our knowledge. The c.4142+1del variant is absent in gnomAD Exomes. This variant has not been submitted to the ClinVar database. Loss of function variants in PIKFYVE gene have been previously reported to be disease causing (Kawasaki et al., 2012). Additional functional studies will be required to prove the pathogenicity of this variant. For these reasons, this variant has been classified as Likely Pathogenic.